The following is an entry in ClinVar:

NM_006031.6(PCNT):c.3785G>A (p.Ser1262Asn)

Gene: PCNT (pericentrin; plus strand). Cytogenetic location: 21q22.3.
Variant type: single nucleotide variant.
Coding change: c.3785G>A on transcript NM_006031.6 (MANE Select); coding-DNA position 3785, G replaced by A.
Protein change: p.Ser1262Asn; replaces serine 1262 with asparagine.
Molecular consequence: missense variant.
Genome position (GRCh38, 1-based): chr21:46,389,376, G>A. VCF-style: chr21-46389376-G-A. GRCh37 (hg19) VCF-style: chr21-47809291-G-A.
Other names: c.3431G>A, p.Ser1144Asn (NM_001315529.2); short protein forms S1262N, S1144N.
Identifiers: ClinVar variation 2362905 (VCV002362905.4), dbSNP rs777005278, ClinGen allele CA10079439.

ClinVar aggregate classification (germline): Uncertain significance. Review status: criteria provided, single submitter (1 of 4 stars). 2 submissions from 2 submitters: Uncertain significance (1). 1 of the submissions does not count toward it. Last evaluated 2022-07-26.

Conditions:
Inborn genetic diseases. Identifiers: MedGen C0950123, MeSH D030342.
PCNT-related disorder. Also called: PCNT-related condition.

Allele frequency attached by ClinVar (database versions not stated): gnomAD exomes 0.00001; ExAC 0.00002; TOPMed 0.00006.
gnomAD v4.1: 20 of 1,614,230 alleles (0.0012%); highest among the groups gnomAD compares: Admixed American, 0.03%; no homozygotes.

Submissions (2):

Ambry Genetics
Classification: Uncertain significance for Inborn genetic diseases. Last evaluated: 2022-07-26. Review status: criteria provided, single submitter. Criteria: Ambry Variant Classification Scheme 2023. Collection method: clinical testing. Allele origin: germline.

PreventionGenetics, part of Exact Sciences
Classification: Uncertain significance for PCNT-related condition. Last evaluated: 2024-08-12. Review status: no assertion criteria provided. Collection method: clinical testing. Allele origin: germline. Not counted in ClinVar's aggregate classification.
Comment: The PCNT c.3785G>A variant is predicted to result in the amino acid substitution p.Ser1262Asn. To our knowledge, this variant has not been reported in the literature. This variant is reported in 0.035% of alleles in individuals of Latino descent in gnomAD. At this time, the clinical significance of this variant is uncertain due to the absence of conclusive functional and genetic evidence.